The following is an entry in ClinVar:

NM_005188.4(CBL):c.2238G>T (p.Glu746Asp)

Gene: CBL (Cbl proto-oncogene; plus strand). Cytogenetic location: 11q23.3.
Variant type: single nucleotide variant.
Coding change: c.2238G>T on transcript NM_005188.4 (MANE Select); coding-DNA position 2238, G replaced by T.
Protein change: p.Glu746Asp; replaces glutamic acid 746 with aspartic acid.
Molecular consequence: missense variant.
Genome position (GRCh38, 1-based): chr11:119,297,468, G>T. VCF-style: chr11-119297468-G-T. GRCh37 (hg19) VCF-style: chr11-119168178-G-T.
Other names: c.2238G>T (NM_005188.2); short protein forms E746D.
Identifiers: ClinVar variation 3603900 (VCV003603900.3).
Genomic context (GRCh38, chr11:119,297,468, plus strand): 5'-TGATAGCTGTACGTATGAAGCAATGTATAATATTCAGTCCCAGGCGCCATCTATCACCGA[G>T]AGCAGCACCTTTGGTAAGTTGCCATTCTGCTACTTTAAAAATCATTGATATGTCATAGGA-3'
Protein context (NP_005179.2, residues 736-756): NIQSQAPSIT[Glu746Asp]SSTFGEGNLA

ClinVar aggregate classification (germline): Uncertain significance. Review status: criteria provided, multiple submitters, no conflicts (2 of 4 stars). 2 submissions from 2 submitters: Uncertain significance (2). Last evaluated 2025-12-10.

Conditions:
RASopathy. Also called: rasopathies; Noonan spectrum disorder. Identifiers: Orphanet 536391, MedGen C5555857, MONDO:0021060.
Cardiovascular phenotype. Identifiers: MedGen CN230736.

Submissions (2):

Ambry Genetics
Classification: Uncertain significance for Cardiovascular phenotype. Last evaluated: 2025-12-10. Review status: criteria provided, single submitter. Criteria: Ambry Variant Classification Scheme 2023. Collection method: clinical testing. Allele origin: germline.
Comment: The p.E746D variant (also known as c.2238G>T), located in coding exon 14 of the CBL gene, results from a G to T substitution at nucleotide position 2238. The glutamic acid at codon 746 is replaced by aspartic acid, an amino acid with highly similar properties. This amino acid position is conserved. In addition, this alteration is predicted to be tolerated by in silico analysis. Based on the available evidence, the clinical significance of this variant remains unclear.

Labcorp Genetics (formerly Invitae), Labcorp
Classification: Uncertain significance for RASopathy. Last evaluated: 2024-07-21. Review status: criteria provided, single submitter. Criteria: Invitae Variant Classification Sherloc (09022015). Collection method: clinical testing. Allele origin: germline.
Comment: This sequence change replaces glutamic acid, which is acidic and polar, with aspartic acid, which is acidic and polar, at codon 746 of the CBL protein (p.Glu746Asp). This variant is not present in population databases (gnomAD no frequency). This variant has not been reported in the literature in individuals affected with CBL-related conditions. Advanced modeling of protein sequence and biophysical properties (such as structural, functional, and spatial information, amino acid conservation, physicochemical variation, residue mobility, and thermodynamic stability) performed at Invitae indicates that this missense variant is not expected to disrupt CBL protein function with a negative predictive value of 95%. In summary, the available evidence is currently insufficient to determine the role of this variant in disease. Therefore, it has been classified as a Variant of Uncertain Significance.